The following is an entry in ClinVar:

NM_016642.4(SPTBN5):c.5358G>A (p.Arg1786=)

Gene: SPTBN5 (spectrin beta, non-erythrocytic 5; minus strand). Cytogenetic location: 15q15.1.
Variant type: single nucleotide variant.
Coding change: c.5358G>A on transcript NM_016642.4 (MANE Select); coding-DNA position 5358, G replaced by A.
Protein change: p.Arg1786=; no amino-acid change (arginine 1786 retained).
Molecular consequence: synonymous variant.
Genome position (GRCh38, 1-based): chr15:41,871,464, C>T on the plus strand (G>A on the coding strand, the complement: SPTBN5 is on the minus strand). VCF-style: chr15-41871464-C-T. GRCh37 (hg19) VCF-style: chr15-42163662-C-T.
Identifiers: ClinVar variation 2645221 (VCV002645221.24), dbSNP rs765985477, ClinGen allele CA7502986.
Genomic context (GRCh38, chr15:41,871,464, plus strand): 5'-GGGGCCAGCACTGTGCCCACGCTCTAGCAGGCTCTCCGCCAGCAGCCGGCAGGCGGCCAC[C>T]CGCTGGCTGCCCATCTCCACTTGGTGCTGAAACTTTGCAAACTTGGTGCAGAGGTGCTGA-3'
Protein context (NP_057726.4, residues 1776-1796): FQHQVEMGSQ[Arg1786=]VAACRLLAES

ClinVar aggregate classification (germline): Benign (1 of 4 stars; one submission).

Allele frequency attached by ClinVar (database versions not stated): gnomAD 0.00038; TOPMed 0.00046; ExAC 0.00225.
gnomAD v4.1: 605 of 1,538,150 alleles (0.039%); highest among the groups gnomAD compares: Middle Eastern, 0.05%; 2 homozygotes.

Submission:

CeGaT Center for Human Genetics Tuebingen
Classification: Benign. Last evaluated: 2022-04-01. Review status: criteria provided, single submitter. Criteria: CeGaT Center For Human Genetics Tuebingen Variant Classification Criteria Version 2. Collection method: clinical testing. Allele origin: germline. Affected: yes. Observed: 1 variant allele.
Comment: SPTBN5: BS1, BS2